The following is an entry in ClinVar:

NM_001370259.2(MEN1):c.783+5G>A

Gene: MEN1 (menin 1; minus strand). Cytogenetic location: 11q13.1.
Variant type: single nucleotide variant.
Coding change: c.783+5G>A on transcript NM_001370259.2 (MANE Select); 5 bases into the intron after coding-DNA position 783, G replaced by A.
Molecular consequence: intron variant.
Genome position (GRCh38, 1-based): chr11:64,807,547, C>T on the plus strand (G>A on the coding strand, the complement: MEN1 is on the minus strand). VCF-style: chr11-64807547-C-T. GRCh37 (hg19) VCF-style: chr11-64575019-C-T.
Other names: c.798+5G>A (NM_130804.3, NM_130803.3, NM_000244.4 and 3 more transcripts); c.783+5G>A (NM_130799.3, NM_001370260.2, NM_001370251.2 and 1 more transcripts); c.678+5G>A (NM_001370263.2, NM_001370262.2).
Identifiers: ClinVar variation 827277 (VCV000827277.7), dbSNP rs1592648530, ClinGen allele CA915948181.

ClinVar aggregate classification (germline): Uncertain significance. Review status: criteria provided, multiple submitters, no conflicts (2 of 4 stars). 2 submissions from 2 submitters: Uncertain significance (2). Last evaluated 2026-02-11.

Conditions:
Hereditary cancer-predisposing syndrome. Also called: Hereditary Cancer Syndrome; Tumor predisposition; Neoplastic Syndromes, Hereditary; Hereditary neoplastic syndrome. Identifiers: Orphanet 140162, MedGen C0027672, MeSH D009386, MONDO:0015356.
Multiple endocrine neoplasia, type 1 (MEN1). Also called: Endocrine adenomatosis multiple; MEN 1; MEN I; WERMER SYNDROME; MEA I. Identifiers: Orphanet 652, MedGen C0025267, MeSH D018761, MONDO:0007540, OMIM 131100.

Submissions (2):

Ambry Genetics
Classification: Uncertain significance for Hereditary cancer-predisposing syndrome. Last evaluated: 2026-02-11. Review status: criteria provided, single submitter. Criteria: Ambry Variant Classification Scheme 2023. Collection method: clinical testing. Allele origin: germline.
Comment: The c.783+5G>A intronic variant results from a G to A substitution 5 nucleotides after coding exon 3 in the MEN1 gene. This nucleotide position is well conserved on limited sequence alignment. In silico splice site analysis predicts that this alteration will not have any significant effect on splicing. Based on the available evidence, the clinical significance of this variant remains unclear.

Labcorp Genetics (formerly Invitae), Labcorp
Classification: Uncertain significance for Multiple endocrine neoplasia, type 1. Last evaluated: 2025-08-31. Review status: criteria provided, single submitter. Criteria: Invitae Variant Classification Sherloc (09022015). Collection method: clinical testing. Allele origin: germline.
Comment: This sequence change falls in intron 4 of the MEN1 gene. It does not directly change the encoded amino acid sequence of the MEN1 protein. It affects a nucleotide within the consensus splice site. This variant is not present in population databases (gnomAD no frequency). This variant has not been reported in the literature in individuals affected with MEN1-related conditions. ClinVar contains an entry for this variant (Variation ID: 827277). Variants that disrupt the consensus splice site are a relatively common cause of aberrant splicing (PMID: 17576681, 9536098). Algorithms developed to predict the effect of sequence changes on RNA splicing suggest that this variant is not likely to affect RNA splicing. In summary, the available evidence is currently insufficient to determine the role of this variant in disease. Therefore, it has been classified as a Variant of Uncertain Significance.

Literature cited by the submitters: PubMed 17576681 (cited by Labcorp Genetics (formerly Invitae), Labcorp); PubMed 9536098 (cited by Labcorp Genetics (formerly Invitae), Labcorp).